The following is an entry in ClinVar:

ClinVar aggregate classification (germline): Uncertain significance (1 of 4 stars; one submission).

Allele frequency attached by ClinVar (database versions not stated): ExAC 0.00001; gnomAD exomes 0.00002.
gnomAD v4.1: 12 of 1,614,130 alleles (0.00074%); highest among the groups gnomAD compares: Admixed American, 0.02%; no homozygotes.

Submission:

Labcorp Genetics (formerly Invitae), Labcorp
Classification: Uncertain significance. Last evaluated: 2025-06-22. Review status: criteria provided, single submitter. Criteria: Invitae Variant Classification Sherloc (09022015). Collection method: clinical testing. Allele origin: germline.
Comment: This sequence change replaces glycine, which is neutral and non-polar, with arginine, which is basic and polar, at codon 165 of the DSPP protein (p.Gly165Arg). This variant is present in population databases (rs749298403, gnomAD 0.01%). This variant has not been reported in the literature in individuals affected with DSPP-related conditions. ClinVar contains an entry for this variant (Variation ID: 1517297). An algorithm developed to predict the effect of missense changes on protein structure and function (PolyPhen-2) suggests that this variant is likely to be disruptive. In summary, the available evidence is currently insufficient to determine the role of this variant in disease. Therefore, it has been classified as a Variant of Uncertain Significance.

NM_014208.3(DSPP):c.493G>A (p.Gly165Arg)

Genes: DMP1-AS1 (DMP1 and DSPP antisense RNA 1; minus strand), DSPP (dentin sialophosphoprotein; plus strand). Cytogenetic location: 4q22.1.
Variant type: single nucleotide variant.
Coding change: c.493G>A on transcript NM_014208.3 (MANE Select); coding-DNA position 493, G replaced by A.
Protein change: p.Gly165Arg; replaces glycine 165 with arginine.
Molecular consequence: missense variant.
Genome position (GRCh38, 1-based): chr4:87,612,679, G>A. VCF-style: chr4-87612679-G-A. GRCh37 (hg19) VCF-style: chr4-88533831-G-A.
Other names: short protein forms G165R.
Identifiers: ClinVar variation 1517297 (VCV001517297.6), dbSNP rs749298403, ClinGen allele CA3000901.